The following is an entry in ClinVar:

NM_001393769.1(MED12L):c.6287_6288del (p.Arg2096fs)

Gene: MED12L (mediator complex subunit 12L; plus strand). Cytogenetic location: 3q25.1.
Variant type: Microsatellite.
Coding change: c.6287_6288del on transcript NM_001393769.1 (MANE Select); coding-DNA positions 6287 to 6288, 2 bases deleted (GA; older notation c.6287_6288delGA).
Protein change: p.Arg2096fs; shifts the reading frame from arginine 2096.
Molecular consequence: frameshift variant.
Genome position (GRCh38, 1-based): chr3:151,413,285-151,413,286, GA deleted; deleting any 2 consecutive bases within chr3:151,413,282-151,413,286 gives the same sequence; the c. name uses the placement nearest the transcript's 3' end. VCF-style (leftmost placement, unchanged base first): chr3-151413281-CAG-C. GRCh37 (hg19) VCF-style: chr3-151131069-CAG-C.
Other names: c.6182_6183del, p.Arg2061fs (NM_053002.6); short protein forms R2061fs, R2096fs.
Identifiers: ClinVar variation 2584459 (VCV002584459.1), dbSNP rs2474225919, ClinGen allele CA2582342647.

ClinVar aggregate classification (germline): Likely pathogenic (1 of 4 stars; one submission).

Conditions:
Nizon-Isidor syndrome. Identifiers: MedGen C5394350, MONDO:0030030, OMIM 618872.

Submission:

Rady Children's Institute for Genomic Medicine, Rady Children's Hospital San Diego
Classification: Likely pathogenic for Nizon-Isidor syndrome. Review status: criteria provided, single submitter. Criteria: ACMG Guidelines, 2015. Collection method: clinical testing. Allele origin: germline. Affected: yes.
Comment: This frameshifting variant in exon 40 of 43 introduces a premature stop codon and is therefore predicted to result in loss of normal protein function through either protein truncation or nonsense-mediated mRNA decay (NMD). This variant has not been previously reported or functionally characterized in the literature to our knowledge. The MED12L gene is constrained against variation (Z-score= 3.1 and pLI = 1), and loss-of-function variants are an established mechanism of disease (PMID: 31155615). The c.6182_6183del (p.Arg2061ThrfsTer93) variant is absent from the gnomAD population database and thus is presumed to be rare. Based on the available evidence, the c.6182_6183del (p.Arg2061ThrfsTer93) variant is classified as Likely Pathogenic.